The following is an entry in ClinVar:

NM_003630.3(PEX3):c.62C>T (p.Thr21Met)

Gene: PEX3 (peroxisomal biogenesis factor 3; plus strand). Cytogenetic location: 6q24.2.
Variant type: single nucleotide variant.
Coding change: c.62C>T on transcript NM_003630.3 (MANE Select); coding-DNA position 62, C replaced by T.
Protein change: p.Thr21Met; replaces threonine 21 with methionine.
Molecular consequence: missense variant.
Genome position (GRCh38, 1-based): chr6:143,451,104, C>T. VCF-style: chr6-143451104-C-T. GRCh37 (hg19) VCF-style: chr6-143772241-C-T.
Other names: short protein forms T21M.
Identifiers: ClinVar variation 2100452 (VCV002100452.4), dbSNP rs753697241, ClinGen allele CA4029434.

ClinVar aggregate classification (germline): Uncertain significance (1 of 4 stars; one submission).

Allele frequency attached by ClinVar (database versions not stated): gnomAD exomes below 0.00001; ExAC 0.00001.
gnomAD v4.1: 1 of 1,611,716 alleles (0.000062%); highest among the groups gnomAD compares: East Asian, 0.0022%; no homozygotes.

Submission:

Labcorp Genetics (formerly Invitae), Labcorp
Classification: Uncertain significance. Last evaluated: 2022-02-20. Review status: criteria provided, single submitter. Criteria: Invitae Variant Classification Sherloc (09022015). Collection method: clinical testing. Allele origin: germline.
Comment: This variant has not been reported in the literature in individuals affected with PEX3-related conditions. This sequence change replaces threonine, which is neutral and polar, with methionine, which is neutral and non-polar, at codon 21 of the PEX3 protein (p.Thr21Met). This variant is present in population databases (rs753697241, gnomAD 0.006%). Algorithms developed to predict the effect of missense changes on protein structure and function (SIFT, PolyPhen-2, Align-GVGD) all suggest that this variant is likely to be tolerated. In summary, the available evidence is currently insufficient to determine the role of this variant in disease. Therefore, it has been classified as a Variant of Uncertain Significance.